The following is an entry in ClinVar:

ClinVar aggregate classification (germline): Uncertain significance (1 of 4 stars; one submission).

Conditions:
Myofibrillar myopathy 6. Identifiers: Orphanet 199340, MedGen C2751831, MONDO:0013061, OMIM 612954.
Dilated cardiomyopathy 1HH (CMD1HH). Identifiers: Orphanet 154, MedGen C3151293, MONDO:0013479, OMIM 613881.

Submission:

Labcorp Genetics (formerly Invitae), Labcorp
Classification: Uncertain significance for Dilated cardiomyopathy 1HH; Myofibrillar myopathy 6. Last evaluated: 2023-05-28. Review status: criteria provided, single submitter. Criteria: Invitae Variant Classification Sherloc (09022015). Collection method: clinical testing. Allele origin: unknown.
Comment: In summary, the available evidence is currently insufficient to determine the role of this variant in disease. Therefore, it has been classified as a Variant of Uncertain Significance. Experimental studies and prediction algorithms are not available or were not evaluated, and the functional significance of this variant is currently unknown. This variant has not been reported in the literature in individuals affected with BAG3-related conditions. This variant results in a copy number gain of the genomic region encompassing exon(s) 4 of the BAG3 gene. This region includes the termination codon of the gene. This copy number gain extends beyond the assayed region for this gene and therefore may encompass additional genes. As the precise location of this event is unknown, it may be in tandem or it may be located elsewhere in the genome.

NC_000010.10:g.(?_121435956)_(121436794_?)dup

Gene: BAG3 (BAG cochaperone 3; plus strand). Cytogenetic location: 10q26.11.
Variant type: Duplication.
Identifiers: ClinVar variation 3244900 (VCV003244900.1).